The following is an entry in ClinVar:

NM_012472.6(DNAAF11):c.845del (p.Lys282fs)

Gene: DNAAF11 (dynein axonemal assembly factor 11; minus strand). Cytogenetic location: 8q24.22.
Variant type: Deletion.
Coding change: c.845del on transcript NM_012472.6 (MANE Select); coding-DNA position 845, one base deleted (A; older notation c.845delA).
Protein change: p.Lys282fs; shifts the reading frame from lysine 282.
Molecular consequence: frameshift variant. On other transcripts: non-coding transcript variant (10).
Genome position (GRCh38, 1-based): chr8:132,622,680, T deleted on the plus strand (A on the coding strand, the reverse complement: DNAAF11 is on the minus strand); the first of 7 consecutive T bases (chr8:132,622,680-132,622,686); deleting any one gives the same sequence. VCF-style (leftmost placement, unchanged base first): chr8-132622679-CT-C. GRCh37 (hg19) VCF-style: chr8-133634925-CT-C.
Other names: c.845del, p.Lys282fs (NM_001321961.2); c.599del, p.Lys200fs (NM_001321962.2); c.485del, p.Lys162fs (NM_001321963.2, NM_001321964.2, NM_001321965.2 and 1 more transcripts); short protein forms K162fs, K282fs, K200fs.
Identifiers: ClinVar variation 2137422 (VCV002137422.4), dbSNP rs1391729028, ClinGen allele CA463070880.

ClinVar aggregate classification (germline): Pathogenic (1 of 4 stars; one submission).

Conditions:
Primary ciliary dyskinesia 19. Also called: CILIARY DYSKINESIA, PRIMARY, 19, WITH OR WITHOUT SITUS INVERSUS. Identifiers: Orphanet 244, MedGen C3543826, MONDO:0013979, OMIM 614935.

Submission:

Labcorp Genetics (formerly Invitae), Labcorp
Classification: Pathogenic for Primary ciliary dyskinesia 19. Last evaluated: 2022-06-29. Review status: criteria provided, single submitter. Criteria: Invitae Variant Classification Sherloc (09022015). Collection method: clinical testing. Allele origin: germline.
Comment: For these reasons, this variant has been classified as Pathogenic. This variant has not been reported in the literature in individuals affected with LRRC6-related conditions. This variant is not present in population databases (gnomAD no frequency). This sequence change creates a premature translational stop signal (p.Lys282Argfs*4) in the LRRC6 gene. It is expected to result in an absent or disrupted protein product. Loss-of-function variants in LRRC6 are known to be pathogenic (PMID: 23122589).

Literature cited by the submitters: PubMed 23122589.